The following is an entry in ClinVar:

ClinVar aggregate classification (germline): Uncertain significance (1 of 4 stars; one submission).

Conditions:
Brown-Vialetto-van Laere syndrome 1. Also called: BULBAR PALSY, PROGRESSIVE, WITH SENSORINEURAL DEAFNESS; PONTOBULBAR PALSY WITH DEAFNESS; BROWN-VIALETTO-VAN LAERE SYNDROME 1, MILD. Identifiers: Orphanet 572550, Orphanet 97229, MedGen C0796274, MONDO:0024537, OMIM 211530.

gnomAD v4.1: 1 of 1,550,756 alleles (0.000064%); highest among the groups gnomAD compares: Non-Finnish European, 0.000087%; no homozygotes.

Submission:

Labcorp Genetics (formerly Invitae), Labcorp
Classification: Uncertain significance for Brown-Vialetto-van Laere syndrome 1. Last evaluated: 2024-02-14. Review status: criteria provided, single submitter. Criteria: Invitae Variant Classification Sherloc (09022015). Collection method: clinical testing. Allele origin: germline.
Comment: This sequence change creates a premature translational stop signal (p.Trp403*) in the SLC52A3 gene. While this is not anticipated to result in nonsense mediated decay, it is expected to disrupt the last 67 amino acid(s) of the SLC52A3 protein. This variant is not present in population databases (gnomAD no frequency). This variant has not been reported in the literature in individuals affected with SLC52A3-related conditions. In summary, the available evidence is currently insufficient to determine the role of this variant in disease. Therefore, it has been classified as a Variant of Uncertain Significance.

NM_033409.4(SLC52A3):c.1209G>A (p.Trp403Ter)

Gene: SLC52A3 (solute carrier family 52 member 3; minus strand). Cytogenetic location: 20p13.
Variant type: single nucleotide variant.
Coding change: c.1209G>A on transcript NM_033409.4 (MANE Select); coding-DNA position 1209, G replaced by A.
Protein change: p.Trp403Ter; replaces tryptophan 403 with a stop codon.
Molecular consequence: nonsense.
Genome position (GRCh38, 1-based): chr20:761,227, C>T on the plus strand (G>A on the coding strand, the complement: SLC52A3 is on the minus strand). VCF-style: chr20-761227-C-T. GRCh37 (hg19) VCF-style: chr20-741871-C-T.
Other names: c.1209G>A, p.Trp403Ter (NM_001370085.1, NM_001370086.1); short protein forms W403*.
Identifiers: ClinVar variation 3639573 (VCV003639573.2).